The following is an entry in ClinVar:

ClinVar aggregate classification (germline): Pathogenic. Review status: criteria provided, multiple submitters, no conflicts (2 of 4 stars). 11 submissions from 11 submitters: Pathogenic (11). Last evaluated 2025-11-01.

Conditions:
Hereditary nonpolyposis colorectal neoplasms. Identifiers: MedGen C0009405, MeSH D003123.
Hereditary cancer-predisposing syndrome. Also called: Neoplastic Syndromes, Hereditary; Hereditary Cancer Syndrome; Tumor predisposition; Hereditary neoplastic syndrome. Identifiers: Orphanet 140162, MedGen C0027672, MeSH D009386, MONDO:0015356.
Lynch syndrome. Identifiers: Orphanet 144, MedGen C4552100, MONDO:0005835. Disease mechanism: loss of function.
Lynch syndrome 4 (LYNCH4). Also called: Colorectal cancer, hereditary nonpolyposis, type 4; Hereditary non-polyposis colorectal cancer, type 4. Identifiers: Orphanet 144, MedGen C1838333, MONDO:0013699, OMIM 614337. Disease mechanism: loss of function.

Submissions (11):

CeGaT Center for Human Genetics Tuebingen
Classification: Pathogenic. Last evaluated: 2025-11-01. Review status: criteria provided, single submitter. Criteria: CeGaT Center For Human Genetics Tuebingen Variant Classification Criteria Version 2. Collection method: clinical testing. Allele origin: germline. Affected: yes. Observed: 1 variant allele.
Comment: PMS2: PVS1, PS4:Moderate, PM2:Supporting

Labcorp Genetics (formerly Invitae), Labcorp
Classification: Pathogenic for Hereditary nonpolyposis colorectal neoplasms. Last evaluated: 2025-10-15. Review status: criteria provided, single submitter. Criteria: Invitae Variant Classification Sherloc (09022015). Collection method: clinical testing. Allele origin: germline.
Comment: This sequence change creates a premature translational stop signal (p.Glu109Glyfs*30) in the PMS2 gene. It is expected to result in an absent or disrupted protein product. Loss-of-function variants in PMS2 are known to be pathogenic (PMID: 21376568, 24362816). This variant is present in population databases (rs762485848, gnomAD 0.01%). This premature translational stop signal has been observed in individual(s) with colorectal cancer and/or constitutional mismatch repair deficiency (PMID: 20205264, 21261604). It has also been observed to segregate with disease in related individuals. Invitae Evidence Modeling of clinical and family history, age, sex, and reported ancestry of multiple individuals with this PMS2 variant has been performed. This variant is expected to be pathogenic with a positive predictive value of at least 99%. This is a validated machine learning model that incorporates the clinical features of 1,627,235 individuals referred to our laboratory for PMS2 testing. ClinVar contains an entry for this variant (Variation ID: 233300). Studies have shown that this premature translational stop signal alters mRNA splicing and is expected to lead to the loss of protein expression (PMID: 26247049). For these reasons, this variant has been classified as Pathogenic.

Ambry Genetics
Classification: Pathogenic for Hereditary cancer-predisposing syndrome. Last evaluated: 2025-01-23. Review status: criteria provided, single submitter. Criteria: Ambry Variant Classification Scheme 2023. Collection method: clinical testing. Allele origin: germline.
Comment: The c.325dupG pathogenic mutation, located in coding exon 4 of the PMS2 gene, results from a duplication of G at nucleotide position 325, causing a translational frameshift with a predicted alternate stop codon (p.E109Gfs*30). This variant has also been shown to be associated with abnormal splicing resulting in transcripts containing out-of-frame full or partial deletion of coding exon 4 (van der Klift HM et al. Mol. Genet. Genomic Med. 2015 Jul;3(4):327-45; Ambry internal data). This variant has been identified in several probands whose Lynch syndrome-associated tumors demonstrated high microsatellite instability (MSI-H) and/or isolated loss of PMS2 expression by immunohistochemistry (IHC) (Ambry internal data). This variant was also identified in trans with another pathogenic PMS2 mutation in two siblings with constitutional mismatch repair-deficiency (CMMR-D) syndrome. In another study, this pathogenic mutation was reported in individuals with colon cancer and pituitary cancer (Goodenberger ML et al. Genet. Med. 2016 Jan;18(1):13-9). In addition to the clinical data presented in the literature, this alteration is expected to result in loss of function by premature protein truncation or nonsense-mediated mRNA decay. As such, this alteration is interpreted as a disease-causing mutation.

GeneDx
Classification: Pathogenic. Last evaluated: 2024-11-15. Review status: criteria provided, single submitter. Criteria: GeneDx Variant Classification Process June 2021. Collection method: clinical testing. Allele origin: germline. Affected: yes.
Comment: Frameshift variant predicted to result in protein truncation or nonsense mediated decay in a gene for which loss-of-function is a known mechanism of disease; Truncating variants in this gene are considered pathogenic by a well-established clinical consortium and/or database; This variant is associated with the following publications: (PMID: 28637615, 25856668, 26110232, 26247049, 31616036, 35739278, 31447099, 29922827, 20205264, 21261604)

All of Us Research Program, National Institutes of Health
Classification: Pathogenic for Lynch syndrome. Last evaluated: 2024-07-29. Review status: criteria provided, single submitter. Criteria: ACMG Guidelines, 2015. Collection method: clinical testing. Allele origin: germline. Inheritance: Autosomal dominant inheritance. Observed: 3 variant alleles, 3 heterozygotes.
Comment: This variant inserts 1 nucleotide in exon 4 of the PMS2 gene, creating a frameshift and premature translation stop signal. This variant is expected to result in an absent or non-functional protein product. This variant has been reported in several individuals affected with Lynch syndrome or colorectal cancer (PMID: 20205264, 25856668, 31616036). This variant has also been reported in siblings affected with constitutional mismatch repair deficiency (CMMRD) who carried a PMS2 variant in trans (PMID: 21261604). This variant has been identified in 4/236098 chromosomes in the general population by the Genome Aggregation Database (gnomAD). Loss of PMS2 function is a known mechanism of disease. Based on the available evidence, this variant is classified as Pathogenic.

This study involves interpretation of variants in research participants for the purpose of population health screening. Participant phenotype was not available at the time of variant classification. Additional details can be found in publication PMID: 35346344, PMCID: PMC8962531

Baylor Genetics
Classification: Pathogenic for Lynch syndrome 4. Last evaluated: 2023-09-20. Review status: criteria provided, single submitter. Criteria: ACMG Guidelines, 2015. Collection method: clinical testing. Allele origin: unknown.

Color Diagnostics, LLC DBA Color Health
Classification: Pathogenic for Hereditary cancer-predisposing syndrome. Last evaluated: 2023-09-18. Review status: criteria provided, single submitter. Criteria: ACMG Guidelines, 2015. Collection method: clinical testing. Allele origin: germline.
Comment: This variant inserts 1 nucleotide in exon 4 of the PMS2 gene, creating a frameshift and premature translation stop signal. This variant is expected to result in an absent or non-functional protein product. This variant has been reported in several individuals affected with Lynch syndrome or colorectal cancer (PMID: 20205264, 25856668, 31616036). This variant has also been reported in siblings affected with constitutional mismatch repair deficiency (CMMRD) who carried a PMS2 variant in trans (PMID: 21261604). This variant has been identified in 4/236098 chromosomes in the general population by the Genome Aggregation Database (gnomAD). Loss of PMS2 function is a known mechanism of disease. Based on the available evidence, this variant is classified as Pathogenic.

Myriad Genetics, Inc.
Classification: Pathogenic for Lynch syndrome 4. Last evaluated: 2023-09-18. Review status: criteria provided, single submitter. Criteria: Myriad Autosomal Dominant, Autosomal Recessive and X-Linked Classification Criteria (2023). Collection method: clinical testing. Allele origin: unknown.
Comment: This variant is considered pathogenic. This variant creates a frameshift predicted to result in premature protein truncation.

Revvity Omics, Revvity
Classification: Pathogenic. Last evaluated: 2022-05-05. Review status: criteria provided, single submitter. Criteria: ACMG Guidelines, 2015. Collection method: clinical testing. Allele origin: germline.

Department of Pathology and Laboratory Medicine, Sinai Health System
Classification: Pathogenic for Lynch syndrome 4. Last evaluated: 2018-05-03. Review status: criteria provided, single submitter. Criteria: ACMG Guidelines, 2015. Collection method: clinical testing. Allele origin: germline. Affected: yes.

Human Genome Sequencing Center Clinical Lab, Baylor College of Medicine
Classification: Pathogenic for Lynch syndrome 4. Last evaluated: 2017-05-11. Review status: criteria provided, single submitter. Criteria: ACMG Guidelines, 2015. Collection method: clinical testing. Allele origin: germline.
Comment: This c.325dup (p.Glu109Glyfs*30) variant has been reported in a cohort of 145 unrelated patients with colorectal cancer [PMID 20205264]. This variant has been observed in 3 heterozygous individuals from the ExAC population database. This 1bp duplication creates a frameshift and is predicted to create a premature stop codon 30 amino acid downstream, and to result in a loss of function of the PMS2 protein. This variant is thus classified as pathogenic.

Literature cited by the submitters: PubMed 21376568 (cited by Labcorp Genetics (formerly Invitae), Labcorp); PubMed 24362816 (cited by Labcorp Genetics (formerly Invitae), Labcorp); PubMed 20205264 (cited by 5 submitters); PubMed 21261604 (cited by 5 submitters); PubMed 26247049 (cited by 3 submitters); PubMed 25856668 (cited by 3 submitters); PubMed 26110232 (cited by Ambry Genetics); PubMed 31068090 (cited by Ambry Genetics); PubMed 31616036 (cited by 3 submitters).

NM_000535.7(PMS2):c.325dup (p.Glu109fs)

Gene: PMS2 (PMS1 homolog 2, mismatch repair system component; minus strand). Cytogenetic location: 7p22.1.
Variant type: Duplication.
Coding change: c.325dup on transcript NM_000535.7 (MANE Select); coding-DNA position 325, one base duplicated (G; older notation c.325dupG).
Protein change: p.Glu109fs; shifts the reading frame from glutamic acid 109.
Molecular consequence: frameshift variant. On other transcripts: 5 prime UTR variant (9), non-coding transcript variant (1), intron variant (2).
Genome position (GRCh38, 1-based): chr7:6,003,718, C duplicated on the plus strand (G on the coding strand, the reverse complement: PMS2 is on the minus strand); the first of 6 consecutive C bases (chr7:6,003,718-6,003,723); duplicating any one gives the same sequence. VCF-style (leftmost placement, unchanged base first): chr7-6003717-T-TC. GRCh37 (hg19) VCF-style: chr7-6043348-T-TC.
Other names: c.-81dup (NM_001322003.2, NM_001322004.2, NM_001322005.2 and 3 more transcripts); c.325dup, p.Glu109fs (NM_001322006.2, NM_001322014.2); c.-560dup (NM_001322011.2, NM_001322012.2); c.-160dup (NM_001322015.2); c.35+254dup (NM_001322008.2, NM_001322007.2); c.325dupG (NM_000535.6); short protein forms E109fs.
Identifiers: ClinVar variation 233300 (VCV000233300.36), dbSNP rs587781716, ClinGen allele CA4150133.